The following is an entry in ClinVar:

ClinVar aggregate classification (germline): Benign/Likely benign. Review status: criteria provided, multiple submitters, no conflicts (2 of 4 stars). 8 submissions from 8 submitters: Benign (4); Likely benign (4). Last evaluated 2026-02-03.

Conditions:
Familial focal epilepsy with variable foci (FPEVF). Identifiers: Orphanet 98820, MedGen C1858477, MONDO:0020310.
Inborn genetic diseases. Identifiers: MedGen C0950123, MeSH D030342.
Epilepsy, familial focal, with variable foci 1 (FFEVF1). Also called: DEPDC5-Related Epilepsy. Identifiers: MedGen C4551983, MONDO:0024556, OMIM 604364.

Allele frequency attached by ClinVar (database versions not stated): gnomAD exomes 0.00019 and 0.00047; ExAC 0.00075; gnomAD 0.00190 and 0.00200; TOPMed 0.00199; ESP Exome Variant Server 0.00233; 1000 Genomes Project 0.00240; 1000 Genomes Project 30x 0.00312.
gnomAD v4.1: 562 of 1,612,318 alleles (0.035%); highest among the groups gnomAD compares: African/African-American, 0.71%; no homozygotes.

Submissions (8):

Labcorp Genetics (formerly Invitae), Labcorp
Classification: Benign for Familial focal epilepsy with variable foci. Last evaluated: 2026-02-03. Review status: criteria provided, single submitter. Criteria: Invitae Variant Classification Sherloc (09022015). Collection method: clinical testing. Allele origin: germline.

Blueprint Genetics
Classification: Likely benign. Last evaluated: 2024-05-08. Review status: criteria provided, single submitter. Criteria: ACMG Guidelines, 2015. Collection method: clinical testing. Allele origin: germline.

CeGaT Center for Human Genetics Tuebingen
Classification: Likely benign. Last evaluated: 2022-11-01. Review status: criteria provided, single submitter. Criteria: CeGaT Center For Human Genetics Tuebingen Variant Classification Criteria Version 2. Collection method: clinical testing. Allele origin: germline. Affected: yes. Observed: 2 variant alleles.
Comment: DEPDC5: BP4, BS1

Fulgent Genetics
Classification: Likely benign for Epilepsy, familial focal, with variable foci 1. Last evaluated: 2022-02-15. Review status: criteria provided, single submitter. Criteria: ACMG Guidelines, 2015. Collection method: clinical testing. Allele origin: unknown.

Mendelics
Classification: Likely benign for Epilepsy, familial focal, with variable foci 1. Last evaluated: 2019-05-28. Review status: criteria provided, single submitter. Criteria: Mendelics Assertion Criteria 2017. Collection method: clinical testing. Allele origin: unknown.

GeneDx
Classification: Benign. Last evaluated: 2019-02-20. Review status: criteria provided, single submitter. Criteria: GeneDx Variant Classification Process June 2021. Collection method: clinical testing. Allele origin: germline. Affected: yes.

Ambry Genetics
Classification: Benign for Inborn genetic diseases. Last evaluated: 2017-06-30. Review status: criteria provided, single submitter. Criteria: Ambry Variant Classification Scheme 2023. Collection method: clinical testing. Allele origin: germline.

Athena Diagnostics
Classification: Benign. Last evaluated: 2017-04-14. Review status: criteria provided, single submitter. Criteria: Athena Diagnostics Criteria. Collection method: clinical testing. Allele origin: germline.

NM_001242896.3(DEPDC5):c.3683T>C (p.Ile1228Thr)

Gene: DEPDC5 (DEP domain containing 5, GATOR1 subcomplex subunit; plus strand). Cytogenetic location: 22q12.3.
Variant type: single nucleotide variant.
Coding change: c.3683T>C on transcript NM_001242896.3 (MANE Select); coding-DNA position 3683, T replaced by C.
Protein change: p.Ile1228Thr; replaces isoleucine 1228 with threonine.
Molecular consequence: missense variant. On other transcripts: non-coding transcript variant (4).
Genome position (GRCh38, 1-based): chr22:31,874,392, T>C. VCF-style: chr22-31874392-T-C. GRCh37 (hg19) VCF-style: chr22-32270378-T-C.
Other names: c.3656T>C, p.Ile1219Thr (NM_001136029.4); c.3383T>C, p.Ile1128Thr (NM_001242897.2); c.3617T>C, p.Ile1206Thr (NM_001363852.2, NM_001364320.2); c.3449T>C, p.Ile1150Thr (NM_001363854.2, NM_001364319.2); c.3683T>C, p.Ile1228Thr (NM_001364318.2); c.3599T>C, p.Ile1200Thr (NM_001369901.1, NM_001369902.1); c.3590T>C, p.Ile1197Thr (NM_001369903.1, NM_014662.6); short protein forms I1128T, I1228T, I1150T, I1206T, I1219T, I1200T, I1197T.
Identifiers: ClinVar variation 414465 (VCV000414465.48), dbSNP rs200653339, ClinGen allele CA10197058.